The following is an entry in ClinVar:

NM_182476.3(COQ6):c.141C>T (p.Gly47=)

Gene: COQ6 (coenzyme Q6, monooxygenase; plus strand). Cytogenetic location: 14q24.3.
Variant type: single nucleotide variant.
Coding change: c.141C>T on transcript NM_182476.3 (MANE Select); coding-DNA position 141, C replaced by T.
Protein change: p.Gly47=; no amino-acid change (glycine 47 retained).
Molecular consequence: synonymous variant. On other transcripts: intron variant (1).
Genome position (GRCh38, 1-based): chr14:73,950,473, C>T. VCF-style: chr14-73950473-C-T. GRCh37 (hg19) VCF-style: chr14-74417176-C-T.
Other names: c.88+293C>T (NM_182480.3).
Identifiers: ClinVar variation 1987343 (VCV001987343.6), dbSNP rs1481387350, ClinGen allele CA487152234.

ClinVar aggregate classification (germline): Likely benign. Review status: criteria provided, single submitter (1 of 4 stars). 2 submissions from 2 submitters: Likely benign (1). 1 of the submissions does not count toward it. Last evaluated 2022-08-09.

Conditions:
COQ6-related disorder. Also called: COQ6-related condition.

Allele frequency attached by ClinVar (database versions not stated): TOPMed below 0.00001.
gnomAD v4.1: 30 of 1,609,050 alleles (0.0019%); highest among the groups gnomAD compares: Non-Finnish European, 0.0023%; no homozygotes.

Submissions (2):

Labcorp Genetics (formerly Invitae), Labcorp
Classification: Likely benign. Last evaluated: 2022-08-09. Review status: criteria provided, single submitter. Criteria: Invitae Variant Classification Sherloc (09022015). Collection method: clinical testing. Allele origin: germline.

PreventionGenetics, part of Exact Sciences
Classification: Likely benign for COQ6-related condition. Last evaluated: 2021-05-21. Review status: no assertion criteria provided. Collection method: clinical testing. Allele origin: germline. Not counted in ClinVar's aggregate classification.
Comment: This variant is classified as likely benign based on ACMG/AMP sequence variant interpretation guidelines (Richards et al. 2015 PMID: 25741868, with internal and published modifications).